The following is an entry in ClinVar:

ClinVar aggregate classification (germline): Likely pathogenic. Review status: criteria provided, single submitter (1 of 4 stars). 2 submissions from 2 submitters: Likely pathogenic (1). 1 of the submissions does not count toward it. Last evaluated 2022-12-21.

Conditions:
3-hydroxyisobutyryl-CoA hydrolase deficiency. Also called: Reduced circulating 3-hydroxyisobutyryl-CoA hydrolase activity; Deficiency of 3-hydroxyisobutyryl CoA hydrolase; HIBCH DEFICIENCY; METHACRYLIC ACID TOXICITY; METHACRYLIC ACIDURIA; VALINE METABOLIC DEFECT. Identifiers: Orphanet 88639, MedGen C0342738, MONDO:0009603, OMIM 250620, HP:6000215.

Allele frequency attached by ClinVar (database versions not stated): gnomAD exomes below 0.00001; TOPMed below 0.00001.
gnomAD v4.1: 4 of 1,611,886 alleles (0.00025%); highest among the groups gnomAD compares: Non-Finnish European, 0.00034%; no homozygotes.

Submissions (2):

Pediatric/Medical Genetics, Ministry of Health, Qatif Central Hospital
Classification: Likely pathogenic for 3-hydroxyisobutyryl-CoA hydrolase deficiency. Last evaluated: 2022-12-21. Review status: criteria provided, single submitter. Criteria: ACMG Guidelines, 2015. Collection method: clinical testing. Allele origin: germline. Inheritance: Autosomal recessive inheritance. Affected: yes. Observed: 1 homozygote.

Al Jenan Medical
Classification: Likely pathogenic for 3-hydroxyisobutyryl-CoA hydrolase deficiency. Review status: no assertion criteria provided. Collection method: clinical testing. Allele origin: germline. Affected: yes. Observed: 8 variant alleles. Clinical features observed: developmental delay, intellectual disability, seizures, hypotonia, failure to thrive. Not counted in ClinVar's aggregate classification.
Comment: This missense variant, NM_014362.5(HIBCH):c.860A>G (p.Asp287Gly), is a rare genetic change that has been reported in individuals with 3-hydroxyisobutyryl-CoA hydrolase (HIBCH) deficiency, a rare inborn error of metabolism. Multiple case reports and functional studies have shown that this specific amino acid substitution impairs the enzymatic activity of HIBCH, leading to the accumulation of toxic metabolites and the characteristic clinical features of this disorder, including developmental delay, hypotonia, and metabolic acidosis

Literature cited by the submitters: PubMed 27896122 (cited by Al Jenan Medical).

NM_014362.4(HIBCH):c.860A>G (p.Asp287Gly)

Gene: HIBCH (3-hydroxyisobutyryl-CoA hydrolase; minus strand). Cytogenetic location: 2q32.2.
Variant type: single nucleotide variant.
Coding change: c.860A>G on transcript NM_014362.4 (MANE Select); coding-DNA position 860, A replaced by G.
Protein change: p.Asp287Gly; replaces aspartic acid 287 with glycine.
Molecular consequence: missense variant.
Genome position (GRCh38, 1-based): chr2:190,244,918, T>C on the plus strand (A>G on the coding strand, the complement: HIBCH is on the minus strand). VCF-style: chr2-190244918-T-C. GRCh37 (hg19) VCF-style: chr2-191109644-T-C.
Other names: D38G; D67G; c.860A>G (NM_014362.3); c.860A>G, p.Asp287Gly (NM_198047.3); short protein forms D287G.
Identifiers: ClinVar variation 1804879 (VCV001804879.3), dbSNP rs1252871654, ClinGen allele CA349886650.